The following is an entry in ClinVar:

ClinVar aggregate classification (germline): Conflicting classifications of pathogenicity. Review status: criteria provided, conflicting classifications (1 of 4 stars). 7 submissions from 7 submitters: Uncertain significance (1); Benign (1); Likely benign (4). 1 of the submissions does not count toward it. Last evaluated 2025-10-07.

Conditions:
Inborn genetic diseases. Identifiers: MedGen C0950123, MeSH D030342.
Rubinstein-Taybi syndrome (RSTS). Identifiers: Orphanet 783, MedGen C0035934, MONDO:0019188.
CREBBP-related disorder. Also called: CREBBP-related condition; CREBBP-related disorders.

Allele frequency attached by ClinVar (database versions not stated): ExAC 0.00009; gnomAD exomes 0.00016 and 0.00037; gnomAD 0.00027 and 0.00029; TOPMed 0.00033; ESP Exome Variant Server 0.00046.
gnomAD v4.1: 576 of 1,614,044 alleles (0.036%); highest among the groups gnomAD compares: Non-Finnish European, 0.046%; no homozygotes.

Submissions (7):

Labcorp Genetics (formerly Invitae), Labcorp
Classification: Likely benign for Rubinstein-Taybi syndrome. Last evaluated: 2025-10-07. Review status: criteria provided, single submitter. Criteria: Invitae Variant Classification Sherloc (09022015). Collection method: clinical testing. Allele origin: germline.

Laboratory of Genetics, Children's Clinical University Hospital Latvia
Classification: Likely benign. Last evaluated: 2025-02-16. Review status: criteria provided, single submitter. Criteria: ACMG Guidelines, 2015. Collection method: clinical testing. Allele origin: germline. Affected: yes.

Blueprint Genetics
Classification: Likely benign. Last evaluated: 2024-11-15. Review status: criteria provided, single submitter. Criteria: ACMG Guidelines, 2015. Collection method: clinical testing. Allele origin: germline.

CeGaT Center for Human Genetics Tuebingen
Classification: Likely benign. Last evaluated: 2024-07-01. Review status: criteria provided, single submitter. Criteria: CeGaT Center For Human Genetics Tuebingen Variant Classification Criteria Version 2. Collection method: clinical testing. Allele origin: germline. Affected: yes. Observed: 3 variant alleles.
Comment: CREBBP: BP4, BP7

Ambry Genetics
Classification: Benign for Inborn genetic diseases. Last evaluated: 2019-10-07. Review status: criteria provided, single submitter. Criteria: Ambry Variant Classification Scheme 2023. Collection method: clinical testing. Allele origin: germline.

Eurofins Ntd Llc (ga)
Classification: Uncertain significance. Last evaluated: 2017-10-27. Review status: criteria provided, single submitter. Criteria: EGL Classification Definitions 2015. Collection method: clinical testing. Allele origin: germline. Observed: 2 variant alleles, 2 heterozygotes.

PreventionGenetics, part of Exact Sciences
Classification: Likely benign for CREBBP-related condition. Last evaluated: 2021-11-01. Review status: no assertion criteria provided. Collection method: clinical testing. Allele origin: germline. Not counted in ClinVar's aggregate classification.
Comment: This variant is classified as likely benign based on ACMG/AMP sequence variant interpretation guidelines (Richards et al. 2015 PMID: 25741868, with internal and published modifications).

NM_004380.3(CREBBP):c.3985C>T (p.Leu1329=)

Gene: CREBBP (CREB binding lysine acetyltransferase; minus strand). Cytogenetic location: 16p13.3.
Variant type: single nucleotide variant.
Coding change: c.3985C>T on transcript NM_004380.3 (MANE Select); coding-DNA position 3985, C replaced by T.
Protein change: p.Leu1329=; no amino-acid change (leucine 1329 retained).
Molecular consequence: synonymous variant.
Genome position (GRCh38, 1-based): chr16:3,740,547, G>A on the plus strand (C>T on the coding strand, the complement: CREBBP is on the minus strand). VCF-style: chr16-3740547-G-A. GRCh37 (hg19) VCF-style: chr16-3790548-G-A.
Other names: c.3871C>T, p.Leu1291= (NM_001079846.1).
Identifiers: ClinVar variation 527963 (VCV000527963.42), dbSNP rs149055008, ClinGen allele CA7869634.